The following is an entry in ClinVar:

ClinVar aggregate classification (germline): Uncertain significance (1 of 4 stars; one submission).

Submission:

Labcorp Genetics (formerly Invitae), Labcorp
Classification: Uncertain significance. Last evaluated: 2022-07-23. Review status: criteria provided, single submitter. Criteria: Invitae Variant Classification Sherloc (09022015). Collection method: clinical testing. Allele origin: germline.
Comment: This variant is not present in population databases (gnomAD no frequency). In summary, the available evidence is currently insufficient to determine the role of this variant in disease. Therefore, it has been classified as a Variant of Uncertain Significance. Algorithms developed to predict the effect of missense changes on protein structure and function (SIFT, PolyPhen-2, Align-GVGD) all suggest that this variant is likely to be tolerated. This variant has not been reported in the literature in individuals affected with ASPM-related conditions. This sequence change replaces glutamic acid, which is acidic and polar, with valine, which is neutral and non-polar, at codon 537 of the ASPM protein (p.Glu537Val).

NM_018136.5(ASPM):c.1610A>T (p.Glu537Val)

Gene: ASPM (assembly factor for spindle microtubules; minus strand). Cytogenetic location: 1q31.3.
Variant type: single nucleotide variant.
Coding change: c.1610A>T on transcript NM_018136.5 (MANE Select); coding-DNA position 1610, A replaced by T.
Protein change: p.Glu537Val; replaces glutamic acid 537 with valine.
Molecular consequence: missense variant.
Genome position (GRCh38, 1-based): chr1:197,142,642, T>A on the plus strand (A>T on the coding strand, the complement: ASPM is on the minus strand). VCF-style: chr1-197142642-T-A. GRCh37 (hg19) VCF-style: chr1-197111772-T-A.
Other names: c.1610A>T, p.Glu537Val (NM_001206846.2); short protein forms E537V.
Identifiers: ClinVar variation 1713639 (VCV001713639.5), dbSNP rs2527402169, ClinGen allele CA344015305.